The following is an entry in ClinVar:

NM_015100.4(POGZ):c.2258G>A (p.Cys753Tyr)

Gene: POGZ (pogo transposable element derived with ZNF domain; minus strand). Cytogenetic location: 1q21.3.
Variant type: single nucleotide variant.
Coding change: c.2258G>A on transcript NM_015100.4 (MANE Select); coding-DNA position 2258, G replaced by A.
Protein change: p.Cys753Tyr; replaces cysteine 753 with tyrosine.
Molecular consequence: missense variant.
Genome position (GRCh38, 1-based): chr1:151,408,217, C>T on the plus strand (G>A on the coding strand, the complement: POGZ is on the minus strand). VCF-style: chr1-151408217-C-T. GRCh37 (hg19) VCF-style: chr1-151380693-C-T.
Other names: c.2231G>A, p.Cys744Tyr (NM_001194937.2); c.2072G>A, p.Cys691Tyr (NM_001194938.2); c.2279G>A, p.Cys760Tyr (NM_001410860.1); c.1973G>A, p.Cys658Tyr (NM_145796.4); c.2099G>A, p.Cys700Tyr (NM_207171.2); short protein forms C658Y, C691Y, C700Y, C744Y, C753Y, C760Y.
Identifiers: ClinVar variation 3390616 (VCV003390616.1).
Genomic context (GRCh38, chr1:151,408,217, plus strand): 5'-CAGTGTACGTAAGTAGGGAAATGATTAGGGAAGTCTGGGATCTCGAAGCTGCACTCCAGG[C>T]ATGTCTGCCGGCCCATGACACTCCTGTGGGGGAAAAAAAAAAAGAATTCTCATTACTGCC-3'
Protein context (NP_055915.2, residues 743-763): RKMSVMGRQT[Cys753Tyr]LECSFEIPDF

ClinVar aggregate classification (germline): Uncertain significance (1 of 4 stars; one submission).

Submission:

GeneDx
Classification: Uncertain significance. Last evaluated: 2024-06-11. Review status: criteria provided, single submitter. Criteria: GeneDx Variant Classification Process June 2021. Collection method: clinical testing. Allele origin: germline. Affected: yes.
Comment: Not observed at significant frequency in large population cohorts (gnomAD); In silico analysis supports that this missense variant has a deleterious effect on protein structure/function; This variant is associated with the following publications: (PMID: 35052493)